The following is an entry in ClinVar:

NM_007294.4(BRCA1):c.3650_3651insA (p.Ser1217_Ser1218insTer)

Genes: BRCA1 (BRCA1 DNA repair associated; minus strand), LOC126862571 (BRD4-independent group 4 enhancer GRCh37_chr17:41243136-41244335; plus strand). Cytogenetic location: 17q21.31.
Variant type: Insertion.
Coding change: c.3650_3651insA on transcript NM_007294.4 (MANE Select); coding-DNA positions 3650 to 3651, A inserted.
Protein change: p.Ser1217_Ser1218insTer.
Molecular consequence: frameshift variant. On other transcripts: intron variant (135).
Genome position: GRCh38 VCF-style: chr17-43091880-A-AT. GRCh37 (hg19) VCF-style: chr17-41243897-A-AT.
Other names: c.3440_3441insA, p.Ser1147_Ser1148insTer (NM_001407887.1, NM_001407889.1, NM_001407900.1 and 13 more transcripts); c.3437_3438insA, p.Ser1146_Ser1147insTer (NM_001407894.1, NM_001407895.1, NM_001407896.1 and 9 more transcripts); c.3527_3528insA, p.Ser1176_Ser1177insTer (NM_001407919.1, NM_001407937.1, NM_001407938.1 and 19 more transcripts); c.3386_3387insA, p.Ser1129_Ser1130insTer (NM_001407920.1, NM_001407921.1, NM_001407922.1 and 9 more transcripts); c.3383_3384insA, p.Ser1128_Ser1129insTer (NM_001407930.1, NM_001407931.1, NM_001407932.1 and 2 more transcripts); c.3524_3525insA, p.Ser1175_Ser1176insTer (NM_001407940.1, NM_001407941.1, NM_001407649.1 and 11 more transcripts); c.3509_3510insA, p.Ser1170_Ser1171insTer (NM_001407942.1, NM_001407944.1, NM_001407945.1 and 29 more transcripts); c.3506_3507insA, p.Ser1169_Ser1170insTer (NM_001407943.1, NM_001407964.1, NM_001407740.1 and 20 more transcripts); and 41 more.
Identifiers: ClinVar variation 548286 (VCV000548286.2), dbSNP rs1555587337, ClinGen allele CA658823963.

ClinVar aggregate classification (germline): Pathogenic (3 of 4 stars; one submission).

Conditions:
Breast-ovarian cancer, familial, susceptibility to, 1 (BROVCA1). Also called: BRCA1 Hereditary Breast and Ovarian Cancer; OVARIAN CANCER, SUSCEPTIBILITY TO. Identifiers: Orphanet 145, MedGen C2676676, MONDO:0011450, OMIM 604370. Disease mechanism: loss of function.

Submission:

Evidence-based Network for the Interpretation of Germline Mutant Alleles (ENIGMA)
Classification: Pathogenic for Breast-ovarian cancer, familial, susceptibility to, 1. Last evaluated: 2017-12-15. Review status: reviewed by expert panel. Criteria: ENIGMA BRCA1/2 Classification Criteria (2017-06-29). Collection method: curation. Allele origin: germline. Study: ENIGMA.
Comment: Variant allele predicted to encode a truncated non-functional protein.